The following is an entry in ClinVar:

NM_001330078.2(NRXN1):c.4405C>A (p.Arg1469=)

Gene: NRXN1 (neurexin 1; minus strand). Cytogenetic location: 2p16.3.
Variant type: single nucleotide variant.
Coding change: c.4405C>A on transcript NM_001330078.2 (MANE Select); coding-DNA position 4405, C replaced by A.
Protein change: p.Arg1469=; no amino-acid change (arginine 1469 retained).
Molecular consequence: synonymous variant.
Genome position (GRCh38, 1-based): chr2:49,922,063, G>T on the plus strand (C>A on the coding strand, the complement: NRXN1 is on the minus strand). VCF-style: chr2-49922063-G-T. GRCh37 (hg19) VCF-style: chr2-50149201-G-T.
Other names: c.4525C>A, p.Arg1509= (NM_001135659.3); c.310C>A, p.Arg104= (NM_001320156.4); c.301C>A, p.Arg101= (NM_001320157.4); c.4381C>A, p.Arg1461= (NM_001330077.2); c.4372C>A, p.Arg1458= (NM_001330082.2); c.4240C>A, p.Arg1414= (NM_001330083.2); c.4339C>A, p.Arg1447= (NM_001330084.2); c.4378C>A, p.Arg1460= (NM_001330085.2); and 12 more.
Identifiers: ClinVar variation 589700 (VCV000589700.3), dbSNP rs1331703447, ClinGen allele CA426128547.

ClinVar aggregate classification (germline): Likely benign (1 of 4 stars; one submission).

Conditions:
History of neurodevelopmental disorder. Identifiers: MedGen C2711754.

Submission:

Ambry Genetics
Classification: Likely benign for History of neurodevelopmental disorder. Last evaluated: 2016-11-18. Review status: criteria provided, single submitter. Criteria: Ambry Autosomal Dominant and X-Linked criteria (10/2015). Collection method: clinical testing. Allele origin: germline. Observed: 1 variant allele.
Comment: Synonymous alterations with insufficient evidence to classify as benign